The following is an entry in ClinVar:

ClinVar aggregate classification (germline): Pathogenic. Review status: reviewed by expert panel (3 of 4 stars). 3 submissions from 3 submitters: Pathogenic (1). 2 of the submissions do not count toward it. Last evaluated 2016-09-08.

Conditions:
Breast-ovarian cancer, familial, susceptibility to, 1 (BROVCA1). Also called: OVARIAN CANCER, SUSCEPTIBILITY TO; BRCA1 Hereditary Breast and Ovarian Cancer. Identifiers: Orphanet 145, MedGen C2676676, MONDO:0011450, OMIM 604370. Disease mechanism: loss of function.

Submissions (3):

Evidence-based Network for the Interpretation of Germline Mutant Alleles (ENIGMA)
Classification: Pathogenic for Breast-ovarian cancer, familial, susceptibility to, 1. Last evaluated: 2016-09-08. Review status: reviewed by expert panel. Criteria: ENIGMA BRCA1/2 Classification Criteria (2015). Collection method: curation. Allele origin: germline.
Comment: Variant allele predicted to encode a truncated non-functional protein.

Consortium of Investigators of Modifiers of BRCA1/2 (CIMBA), c/o University of Cambridge
Classification: Pathogenic for Breast-ovarian cancer, familial, susceptibility to, 1. Last evaluated: 2015-10-02. Review status: criteria provided, single submitter. Criteria: CIMBA Mutation Classification guidelines May 2016. Collection method: clinical testing. Allele origin: germline. Not counted in ClinVar's aggregate classification.

Department of Pathology and Laboratory Medicine, Sinai Health System
Classification: Uncertain significance. Review status: no assertion criteria provided. Collection method: clinical testing. Allele origin: unknown. Affected: yes. Observed: 1 variant allele. Study: The Canadian Open Genetics Repository (COGR). Not counted in ClinVar's aggregate classification.

NM_007294.4(BRCA1):c.2836_2837del (p.Ile946fs)

Gene: BRCA1 (BRCA1 DNA repair associated; minus strand). Cytogenetic location: 17q21.31.
Variant type: Deletion.
Coding change: c.2836_2837del on transcript NM_007294.4 (MANE Select); coding-DNA positions 2836 to 2837, 2 bases deleted (AT; older notation c.2836_2837delAT).
Protein change: p.Ile946fs; shifts the reading frame from isoleucine 946.
Molecular consequence: frameshift variant. On other transcripts: intron variant (137).
Genome position (GRCh38, 1-based): chr17:43,092,694-43,092,695, AT deleted on the plus strand (AT on the coding strand, the reverse complement: BRCA1 is on the minus strand); deleting any 2 consecutive bases within chr17:43,092,694-43,092,696 gives the same sequence; the c. name uses the placement nearest the transcript's 3' end. VCF-style (leftmost placement, unchanged base first): chr17-43092693-GAT-G. GRCh37 (hg19) VCF-style: chr17-41244710-GAT-G.
Other names: c.2836_2837delAT (NM_007294.3); c.2623_2624del, p.Ile875fs (NM_001407571.1, NM_001407853.1, NM_001407894.1 and 9 more transcripts); c.2836_2837del, p.Ile946fs (NM_001407581.1, NM_001407582.1, NM_001407583.1 and 30 more transcripts); c.2833_2834del, p.Ile945fs (NM_001407587.1, NM_001407590.1, NM_001407591.1 and 22 more transcripts); c.2827_2828del, p.Ile943fs (NM_001407646.1, NM_001407647.1); c.2713_2714del, p.Ile905fs (NM_001407648.1, NM_001407664.1, NM_001407665.1 and 19 more transcripts); c.2710_2711del, p.Ile904fs (NM_001407649.1, NM_001407670.1, NM_001407671.1 and 11 more transcripts); c.2758_2759del, p.Ile920fs (NM_001407653.1, NM_001407654.1, NM_001407655.1 and 4 more transcripts); and 42 more; short protein forms I946fs, I899fs, I778fs, I818fs, I819fs, I834fs, I879fs, I920fs.
Identifiers: ClinVar variation 54696 (VCV000054696.10), dbSNP rs397509016, ClinGen allele CA001854.